The following is an entry in ClinVar:

ClinVar aggregate classification (germline): Pathogenic/Likely pathogenic. Review status: criteria provided, multiple submitters, no conflicts (2 of 4 stars). 2 submissions from 2 submitters: Pathogenic (1); Likely pathogenic (1). Last evaluated 2024-10-15.

Conditions:
Frontotemporal dementia (FTD1). Also called: Frontotemporal Dementia with Parkinsonism-17 (FTDP-17); Frontotemporal lobe dementia (FLDEM); WILHELMSEN-LYNCH DISEASE; Dementia, frontotemporal, with or without parkinsonism; FRONTOTEMPORAL DEMENTIA WITH PARKINSONISM; FRONTOTEMPORAL LOBE DEMENTIA. Identifiers: Orphanet 282, MedGen C0338451, MONDO:0017276, OMIM 600274, HP:0002145.

Allele frequency attached by ClinVar (database versions not stated): gnomAD exomes below 0.00001.
gnomAD v4.1: 1 of 1,613,220 alleles (0.000062%); highest among the groups gnomAD compares: Non-Finnish European, 0.000085%; no homozygotes.

Submissions (2):

Labcorp Genetics (formerly Invitae), Labcorp
Classification: Likely pathogenic for Frontotemporal dementia. Last evaluated: 2024-10-15. Review status: criteria provided, single submitter. Criteria: Invitae Variant Classification Sherloc (09022015). Collection method: clinical testing. Allele origin: germline.
Comment: This sequence change replaces glutamine, which is neutral and polar, with histidine, which is basic and polar, at codon 336 of the MAPT protein (p.Gln336His). This variant is not present in population databases (gnomAD no frequency). This missense change has been observed in individuals with clinical features of frontotemporal dementia (PMID: 24081456, 26426266, 34561610, 35020237). ClinVar contains an entry for this variant (Variation ID: 665222). Invitae Evidence Modeling of protein sequence and biophysical properties (such as structural, functional, and spatial information, amino acid conservation, physicochemical variation, residue mobility, and thermodynamic stability) indicates that this missense variant is not expected to disrupt MAPT protein function with a negative predictive value of 80%. Experimental studies have shown that this missense change affects MAPT function (PMID: 26426266, 33772783). This variant disrupts the p.Gln336 amino acid residue in MAPT. Other variant(s) that disrupt this residue have been observed in individuals with MAPT-related conditions (PMID: 15047590, 34561610), which suggests that this may be a clinically significant amino acid residue. In summary, the currently available evidence indicates that the variant is pathogenic, but additional data are needed to prove that conclusively. Therefore, this variant has been classified as Likely Pathogenic.

Institute of Human Genetics Munich, TUM University Hospital
Classification: Pathogenic for Frontotemporal dementia. Last evaluated: 2018-02-01. Review status: criteria provided, single submitter. Criteria: Classification criteria August 2017. Collection method: clinical testing. Allele origin: germline. Inheritance: Autosomal dominant inheritance. Affected: yes. Observed: 2 heterozygotes.

Literature cited by the submitters: PubMed 24081456 (cited by Labcorp Genetics (formerly Invitae), Labcorp); PubMed 26426266 (cited by Labcorp Genetics (formerly Invitae), Labcorp); PubMed 34561610 (cited by Labcorp Genetics (formerly Invitae), Labcorp); PubMed 35020237 (cited by Labcorp Genetics (formerly Invitae), Labcorp); PubMed 33772783 (cited by Labcorp Genetics (formerly Invitae), Labcorp); PubMed 15047590 (cited by Labcorp Genetics (formerly Invitae), Labcorp).

NM_001377265.1(MAPT):c.2184G>C (p.Gln728His)

Gene: MAPT (microtubule associated protein tau). Cytogenetic location: 17q21.31.
Variant type: single nucleotide variant.
Coding change: c.2184G>C on transcript NM_001377265.1 (MANE Select); coding-DNA position 2184, G replaced by C.
Protein change: p.Gln728His; replaces glutamine 728 with histidine.
Molecular consequence: missense variant. On other transcripts: non-coding transcript variant (1), intron variant (1).
Genome position (GRCh38, 1-based): chr17:46,018,628, G>C. VCF-style: chr17-46018628-G-C. GRCh37 (hg19) VCF-style: chr17-44095994-G-C.
Other names: c.2013G>C, p.Gln671His (NM_001123066.4); c.921G>C, p.Gln307His (NM_001123067.4); c.828G>C, p.Gln276His (NM_001203251.2); c.915G>C, p.Gln305His (NM_001203252.2); c.1893G>C, p.Gln631His (NM_001377266.1); c.741G>C, p.Gln247His (NM_001377268.1, NM_016841.5); c.1008G>C, p.Gln336His (NM_005910.6); c.834G>C, p.Gln278His (NM_016834.5); and 2 more; short protein forms Q247H, Q276H, Q336H, Q653H, Q278H, Q307H, Q305H, Q671H.
Identifiers: ClinVar variation 665222 (VCV000665222.12), dbSNP rs1598408073, ClinGen allele CA399983634.
Genomic context (GRCh38, chr17:46,018,628, plus strand): 5'-AGAACCACAGAAGATGATGGCAAGATGCTCTTGTGTGTGTTGTGTTCTAGGAGGTGGCCA[G>C]GTGGAAGTAAAATCTGAGAAGCTTGACTTCAAGGACAGAGTCCAGTCGAAGATTGGGTCC-3'
Protein context (NP_001364194.1, residues 718-738): GNIHHKPGGG[Gln728His]VEVKSEKLDF